The following is an entry in ClinVar:

ClinVar aggregate classification (germline): Uncertain significance (1 of 4 stars; one submission).

Submission:

Labcorp Genetics (formerly Invitae), Labcorp
Classification: Uncertain significance. Last evaluated: 2025-12-14. Review status: criteria provided, single submitter. Criteria: Invitae Variant Classification Sherloc (09022015). Collection method: clinical testing. Allele origin: germline.
Comment: This sequence change falls in intron 64 of the WDFY3 gene. It does not directly change the encoded amino acid sequence of the WDFY3 protein. This variant is not present in population databases (gnomAD no frequency). This variant has not been reported in the literature in individuals affected with WDFY3-related conditions. Algorithms developed to predict the effect of sequence changes on RNA splicing suggest that this variant may disrupt the consensus splice site. In summary, the available evidence is currently insufficient to determine the role of this variant in disease. Therefore, it has been classified as a Variant of Uncertain Significance.

NM_014991.6(WDFY3):c.9824-5C>G

Gene: WDFY3 (WD repeat and FYVE domain containing 3; minus strand). Cytogenetic location: 4q21.23.
Variant type: single nucleotide variant.
Coding change: c.9824-5C>G on transcript NM_014991.6 (MANE Select); 5 bases into the intron before coding-DNA position 9824, C replaced by G.
Molecular consequence: intron variant.
Genome position (GRCh38, 1-based): chr4:84,679,247, G>C on the plus strand (C>G on the coding strand, the complement: WDFY3 is on the minus strand). VCF-style: chr4-84679247-G-C. GRCh37 (hg19) VCF-style: chr4-85600400-G-C.
Identifiers: ClinVar variation 4733202 (VCV004733202.1).